The following is an entry in ClinVar:

NM_020638.3(FGF23):c.451C>G (p.Pro151Ala)

Gene: FGF23 (fibroblast growth factor 23; minus strand). Cytogenetic location: 12p13.32.
Variant type: single nucleotide variant.
Coding change: c.451C>G on transcript NM_020638.3 (MANE Select); coding-DNA position 451, C replaced by G.
Protein change: p.Pro151Ala; replaces proline 151 with alanine.
Molecular consequence: missense variant.
Genome position (GRCh38, 1-based): chr12:4,370,648, G>C on the plus strand (C>G on the coding strand, the complement: FGF23 is on the minus strand). VCF-style: chr12-4370648-G-C. GRCh37 (hg19) VCF-style: chr12-4479814-G-C.
Other names: short protein forms P151A.
Identifiers: ClinVar variation 2421440 (VCV002421440.6), dbSNP rs759239607, ClinGen allele CA6395680.
Genomic context (GRCh38, chr12:4,370,648, plus strand): 5'-TGTTGAAGTGAATTAGGGGGATCTCGTTCCTCCGGGACAGGAACTGGGAGTACGGGGGTG[G>C]GTTCATGCCTGGCAGGAAGGCTCTCTTCGCCCGGCCCAGACTGACCAGGAAGTGATACTG-3'
Protein context (NP_065689.1, residues 141-161): AKRAFLPGMN[Pro151Ala]PPYSQFLSRR

ClinVar aggregate classification (germline): Uncertain significance (1 of 4 stars; one submission).

Allele frequency attached by ClinVar (database versions not stated): TOPMed below 0.00001; gnomAD 0.00001; ExAC 0.00005.

Submission:

Labcorp Genetics (formerly Invitae), Labcorp
Classification: Uncertain significance. Last evaluated: 2025-08-15. Review status: criteria provided, single submitter. Criteria: Invitae Variant Classification Sherloc (09022015). Collection method: clinical testing. Allele origin: germline.
Comment: This sequence change replaces proline, which is neutral and non-polar, with alanine, which is neutral and non-polar, at codon 151 of the FGF23 protein (p.Pro151Ala). This variant is present in population databases (rs759239607, gnomAD 0.006%). This variant has not been reported in the literature in individuals affected with FGF23-related conditions. ClinVar contains an entry for this variant (Variation ID: 2421440). Invitae Evidence Modeling of protein sequence and biophysical properties (such as structural, functional, and spatial information, amino acid conservation, physicochemical variation, residue mobility, and thermodynamic stability) has been performed for this missense variant. However, the output from this modeling did not meet the statistical confidence thresholds required to predict the impact of this variant on FGF23 protein function. In summary, the available evidence is currently insufficient to determine the role of this variant in disease. Therefore, it has been classified as a Variant of Uncertain Significance.